The following is an entry in ClinVar:

ClinVar aggregate classification (germline): Uncertain significance (1 of 4 stars; one submission).

Submission:

GeneDx
Classification: Uncertain significance. Last evaluated: 2019-03-26. Review status: criteria provided, single submitter. Criteria: GeneDx Variant Classification Process June 2021. Collection method: clinical testing. Allele origin: germline. Affected: yes.
Comment: Not observed in large population cohorts (Lek et al., 2016); In silico analysis, which includes protein predictors and evolutionary conservation, supports a deleterious effect; Has not been previously published as pathogenic or benign to our knowledge

NM_001377229.1(DISP1):c.3344T>C (p.Ile1115Thr)

Gene: DISP1 (dispatched RND transporter family member 1; plus strand). Cytogenetic location: 1q41.
Variant type: single nucleotide variant.
Coding change: c.3344T>C on transcript NM_001377229.1 (MANE Select); coding-DNA position 3344, T replaced by C.
Protein change: p.Ile1115Thr; replaces isoleucine 1115 with threonine.
Molecular consequence: missense variant.
Genome position (GRCh38, 1-based): chr1:223,004,741, T>C. VCF-style: chr1-223004741-T-C. GRCh37 (hg19) VCF-style: chr1-223178083-T-C.
Other names: c.2615T>C, p.Ile872Thr (NM_001350630.2); c.3344T>C, p.Ile1115Thr (NM_001369594.1, NM_001377228.1, NM_032890.5); short protein forms I1115T, I872T.
Identifiers: ClinVar variation 1308245 (VCV001308245.2), dbSNP rs2102806550, ClinGen allele CA344688268.
Genomic context (GRCh38, chr1:223,004,741, plus strand): 5'-CCATGATGATGCCCTCCACAGTTCTAGCTTACACCCAGCTGGGCACCTTCATGATGCTCA[T>C]CATGTGTATCAGTTGGGCTTTCGCCACCTTCTTTTTCCAGTGCATGTGCCGGTGCCTTGG-3'
Protein context (NP_001364158.1, residues 1105-1125): YTQLGTFMML[Ile1115Thr]MCISWAFATF